The following is an entry in ClinVar:

NM_015158.5(KANK1):c.4043G>A (p.Arg1348Gln)

Gene: KANK1 (KN motif and ankyrin repeat domains 1; plus strand). Cytogenetic location: 9p24.3.
Variant type: single nucleotide variant.
Coding change: c.4043G>A on transcript NM_015158.5 (MANE Select); coding-DNA position 4043, G replaced by A.
Protein change: p.Arg1348Gln; replaces arginine 1348 with glutamine.
Molecular consequence: missense variant. On other transcripts: non-coding transcript variant (1).
Genome position (GRCh38, 1-based): chr9:745,219, G>A. VCF-style: chr9-745219-G-A. GRCh37 (hg19) VCF-style: chr9-745219-G-A.
Other names: c.4043G>A, p.Arg1348Gln (NM_001256876.3, NM_001256877.3, NM_001354334.2); c.3803G>A, p.Arg1268Gln (NM_001354331.2); c.3989G>A, p.Arg1330Gln (NM_001354332.2); c.3569G>A, p.Arg1190Gln (NM_001354333.2, NM_001354335.2, NM_001354337.2 and 2 more transcripts); c.3275G>A, p.Arg1092Gln (NM_001354336.2); c.3515G>A, p.Arg1172Gln (NM_001354338.2, NM_001354340.2, NM_001354344.2); c.3329G>A, p.Arg1110Gln (NM_001354339.2, NM_001354342.2, NM_001354343.2); short protein forms R1348Q, R1110Q, R1190Q, R1330Q, R1092Q, R1172Q, R1268Q.
Identifiers: ClinVar variation 2384426 (VCV002384426.5), dbSNP rs201650757, ClinGen allele CA4961359.

ClinVar aggregate classification (germline): Uncertain significance. Review status: criteria provided, multiple submitters, no conflicts (2 of 4 stars). 2 submissions from 2 submitters: Uncertain significance (2). Last evaluated 2025-06-12.

Allele frequency attached by ClinVar (database versions not stated): ESP Exome Variant Server 0.00008; TOPMed 0.00005.
gnomAD v4.1: 176 of 1,613,950 alleles (0.011%); highest among the groups gnomAD compares: South Asian, 0.029%; 1 homozygote.

Submissions (2):

Labcorp Genetics (formerly Invitae), Labcorp
Classification: Uncertain significance. Last evaluated: 2025-06-12. Review status: criteria provided, single submitter. Criteria: Invitae Variant Classification Sherloc (09022015). Collection method: clinical testing. Allele origin: germline.
Comment: This sequence change replaces arginine, which is basic and polar, with glutamine, which is neutral and polar, at codon 1348 of the KANK1 protein (p.Arg1348Gln). This variant is present in population databases (rs201650757, gnomAD 0.02%). This missense change has been observed in individual(s) with developmental disorder (PMID: 33057194). This variant is also known as 9:745219G>A. ClinVar contains an entry for this variant (Variation ID: 2384426). An algorithm developed to predict the effect of missense changes on protein structure and function (PolyPhen-2) suggests that this variant is likely to be disruptive. In summary, the available evidence is currently insufficient to determine the role of this variant in disease. Therefore, it has been classified as a Variant of Uncertain Significance.

Ambry Genetics
Classification: Uncertain significance. Last evaluated: 2022-12-01. Review status: criteria provided, single submitter. Criteria: Ambry Variant Classification Scheme 2023. Collection method: clinical testing. Allele origin: germline.

Literature cited by the submitters: PubMed 33057194 (cited by Labcorp Genetics (formerly Invitae), Labcorp).